The following is an entry in ClinVar:

ClinVar aggregate classification (germline): Uncertain significance (1 of 4 stars; one submission).

Submission:

GeneDx
Classification: Uncertain significance. Last evaluated: 2024-03-12. Review status: criteria provided, single submitter. Criteria: GeneDx Variant Classification Process June 2021. Collection method: clinical testing. Allele origin: germline. Affected: yes.
Comment: Not observed at significant frequency in large population cohorts (gnomAD); In silico analysis supports that this missense variant does not alter protein structure/function; Has not been previously published as pathogenic or benign to our knowledge

NM_001379451.1(BCORL1):c.574G>T (p.Val192Phe)

Gene: BCORL1 (BCL6 corepressor like 1; plus strand). Cytogenetic location: Xq26.1.
Variant type: single nucleotide variant.
Coding change: c.574G>T on transcript NM_001379451.1 (MANE Select); coding-DNA position 574, G replaced by T.
Protein change: p.Val192Phe; replaces valine 192 with phenylalanine.
Molecular consequence: missense variant.
Genome position (GRCh38, 1-based): chrX:130,013,346, G>T. VCF-style: chrX-130013346-G-T. GRCh37 (hg19) VCF-style: chrX-129147322-G-T.
Other names: c.574G>T, p.Val192Phe (NM_001184772.3, NM_001379450.1, NM_021946.5); short protein forms V192F.
Identifiers: ClinVar variation 3370908 (VCV003370908.1).